The following is an entry in ClinVar:

ClinVar aggregate classification (germline): Likely pathogenic (1 of 4 stars; one submission).

Conditions:
Junctional epidermolysis bullosa, non-Herlitz type. Also called: EPIDERMOLYSIS BULLOSA, JUNCTIONAL 1A, INTERMEDIATE; Adult junctional epidermolysis bullosa; COL17A1-Related Junctional Epidermolysis Bullosa; Epidermolysis bullosa, junctional, non-herlitz type, somatic mosaic revertant; EPIDERMOLYSIS BULLOSA JUNCTIONALIS, DISENTIS TYPE; EPIDERMOLYSIS BULLOSA JUNCTIONALIS, NON-HERLITZ TYPE. Identifiers: Orphanet 251393, Orphanet 79402, Orphanet 79405, Orphanet 89840, MedGen C0268374, MONDO:0009180, OMIM 226650.

Allele frequency attached by ClinVar (database versions not stated): gnomAD exomes below 0.00001.

Submission:

MGZ Medical Genetics Center
Classification: Likely pathogenic for Junctional epidermolysis bullosa, non-Herlitz type. Last evaluated: 2021-12-02. Review status: criteria provided, single submitter. Criteria: ACMG Guidelines, 2015. Collection method: clinical testing. Allele origin: germline. Affected: yes. Observed: 1 variant allele.
Comment: ACMG criteria applied: PVS1, PM2_SUP

NM_198129.4(LAMA3):c.8299del (p.Val2767fs)

Gene: LAMA3 (laminin subunit alpha 3; plus strand). Cytogenetic location: 18q11.2.
Variant type: Deletion.
Coding change: c.8299del on transcript NM_198129.4 (MANE Select); coding-DNA position 8299, one base deleted (G; older notation c.8299delG).
Protein change: p.Val2767fs; shifts the reading frame from valine 2767.
Molecular consequence: frameshift variant.
Genome position (GRCh38, 1-based): chr18:23,928,628, G deleted. VCF-style (leftmost placement, unchanged base first): chr18-23928627-TG-T. GRCh37 (hg19) VCF-style: chr18-21508591-TG-T.
Other names: c.3472del, p.Val1158fs (NM_000227.6); c.8131del, p.Val2711fs (NM_001127717.4); c.3304del, p.Val1102fs (NM_001127718.4); short protein forms V1102fs, V1158fs, V2711fs, V2767fs.
Identifiers: ClinVar variation 1709830 (VCV001709830.2), dbSNP rs2511546700, ClinGen allele CA2576473117.